The following is an entry in ClinVar:

ClinVar aggregate classification (germline): Pathogenic (1 of 4 stars; one submission).

Conditions:
Intellectual disability-facial dysmorphism syndrome due to SETD5 haploinsufficiency (MRD23). Also called: Intellectual developmental disorder, autosomal dominant 23. Identifiers: Orphanet 404440, MedGen C3810406, MONDO:0014336, OMIM 615761.

Submission:

Victorian Clinical Genetics Services, Murdoch Childrens Research Institute
Classification: Pathogenic for Intellectual disability-facial dysmorphism syndrome due to SETD5 haploinsufficiency. Last evaluated: 2024-10-09. Review status: criteria provided, single submitter. Criteria: ACMG Guidelines, 2015. Collection method: clinical testing. Allele origin: germline. Inheritance: Autosomal dominant inheritance. Affected: yes.
Comment: Based on the classification scheme VCGS_Germline_v1.3.4, this variant is classified as Pathogenic. Following criteria are met: 0102 - Loss of function is a known mechanism of disease in this gene and is associated with intellectual developmental disorder, autosomal dominant 23 (MIM#615761). (I) 0107 - This gene is associated with autosomal dominant disease. (I) 0201 - Variant is predicted to cause nonsense-mediated decay (NMD) and loss of protein (premature termination codon is located at least 54 nucleotides upstream of the final exon-exon junction). (SP) 0251 - This variant is heterozygous. (I) 0301 - Variant is absent from gnomAD (both v2 and v3). (SP) 0701 - Other NMD-predicted variants comparable to the one identified in this case have very strong previous evidence for pathogenicity. There have been many NMD-predicted variants reported as pathogenic (ClinVar). (SP) 0807 - This variant has no previous evidence of pathogenicity. (I) 0905 - No published segregation evidence has been identified for this variant. (I) 1007 - No published functional evidence has been identified for this variant. (I) Legend: (SP) - Supporting pathogenic, (I) - Information, (SB) - Supporting benign

NM_001080517.3(SETD5):c.2394_2401dup (p.Gln801fs)

Gene: SETD5 (SET domain containing 5; plus strand). Cytogenetic location: 3p25.3.
Variant type: Duplication.
Coding change: c.2394_2401dup on transcript NM_001080517.3 (MANE Select); coding-DNA positions 2394 to 2401, 8 bases duplicated (TGTACCCC; older notation c.2394_2401dupTGTACCCC).
Protein change: p.Gln801fs; shifts the reading frame from glutamine 801.
Molecular consequence: frameshift variant.
Genome position (GRCh38, 1-based): chr3:9,453,786-9,453,793, TGTACCCC duplicated; duplicating any 8 consecutive bases within chr3:9,453,785-9,453,793 gives the same sequence; the c. name uses the placement nearest the transcript's 3' end. VCF-style (leftmost placement, unchanged base first): chr3-9453784-T-TCTGTACCC. GRCh37 (hg19) VCF-style: chr3-9495468-T-TCTGTACCC.
Other names: c.2100_2107dup, p.Gln703fs (NM_001292043.2, NM_001349451.2); short protein forms Q703fs, Q801fs.
Identifiers: ClinVar variation 3377052 (VCV003377052.1).